The following is an entry in ClinVar:

ClinVar aggregate classification (germline): Uncertain significance. Review status: criteria provided, multiple submitters, no conflicts (2 of 4 stars). 3 submissions from 3 submitters: Uncertain significance (3). Last evaluated 2025-08-22.

Allele frequency attached by ClinVar (database versions not stated): gnomAD exomes below 0.00001; TOPMed below 0.00001; ExAC 0.00001; gnomAD 0.00001.
gnomAD v4.1: 8 of 1,614,034 alleles (0.0005%); highest among the groups gnomAD compares: African/African-American, 0.0013%; no homozygotes.

Submissions (3):

Mayo Clinic Laboratories, Mayo Clinic
Classification: Uncertain significance. Last evaluated: 2025-08-22. Review status: criteria provided, single submitter. Criteria: ACMG Guidelines, 2015. Collection method: clinical testing. Allele origin: germline. Observed: 1 variant allele.
Comment: PM2_supporting

Labcorp Genetics (formerly Invitae), Labcorp
Classification: Uncertain significance. Last evaluated: 2023-05-31. Review status: criteria provided, single submitter. Criteria: Invitae Variant Classification Sherloc (09022015). Collection method: clinical testing. Allele origin: germline.
Comment: In summary, the available evidence is currently insufficient to determine the role of this variant in disease. Therefore, it has been classified as a Variant of Uncertain Significance. An algorithm developed to predict the effect of missense changes on protein structure and function (PolyPhen-2) suggests that this variant is likely to be disruptive. ClinVar contains an entry for this variant (Variation ID: 1702706). This variant has not been reported in the literature in individuals affected with NLRP1-related conditions. This variant is present in population databases (rs767373476, gnomAD 0.004%). This sequence change replaces leucine, which is neutral and non-polar, with phenylalanine, which is neutral and non-polar, at codon 585 of the NLRP1 protein (p.Leu585Phe).

GeneDx
Classification: Uncertain significance. Last evaluated: 2022-02-20. Review status: criteria provided, single submitter. Criteria: GeneDx Variant Classification Process June 2021. Collection method: clinical testing. Allele origin: germline. Affected: yes.
Comment: Not observed at significant frequency in large population cohorts (gnomAD); In silico analysis supports that this missense variant has a deleterious effect on protein structure/function; Has not been previously published as pathogenic or benign to our knowledge

NM_033004.4(NLRP1):c.1753C>T (p.Leu585Phe)

Gene: NLRP1 (NLR family pyrin domain containing 1; minus strand). Cytogenetic location: 17p13.2.
Variant type: single nucleotide variant.
Coding change: c.1753C>T on transcript NM_033004.4 (MANE Select); coding-DNA position 1753, C replaced by T.
Protein change: p.Leu585Phe; replaces leucine 585 with phenylalanine.
Molecular consequence: missense variant.
Genome position (GRCh38, 1-based): chr17:5,558,943, G>A on the plus strand (C>T on the coding strand, the complement: NLRP1 is on the minus strand). VCF-style: chr17-5558943-G-A. GRCh37 (hg19) VCF-style: chr17-5462263-G-A.
Other names: p.Leu585Phe; c.1753C>T, p.Leu585Phe (NM_001033053.3, NM_014922.5, NM_033006.4 and 1 more transcripts); short protein forms L585F.
Identifiers: ClinVar variation 1702706 (VCV001702706.8), dbSNP rs767373476, ClinGen allele CA8327328.
Genomic context (GRCh38, chr17:5,558,943, plus strand): 5'-AGAAGGTGGAGATGATGGCCCCATCTAACCCATGCTTCCTGAGGTCATCTGGACTGAAAA[G>A]GGTCTTTTTTTGCCAGATGCCCTCAGCAGCCAGAGAGCAGAGGTCTCTGAGCTGGGGTCC-3'
Protein context (NP_127497.1, residues 575-595): AAEGIWQKKT[Leu585Phe]FSPDDLRKHG